The following is an entry in ClinVar:

NM_000059.4(BRCA2):c.8157T>C (p.Ile2719=)

Gene: BRCA2 (BRCA2 DNA repair associated; plus strand). Cytogenetic location: 13q13.1.
Variant type: single nucleotide variant.
Coding change: c.8157T>C on transcript NM_000059.4 (MANE Select); coding-DNA position 8157, T replaced by C.
Protein change: p.Ile2719=; no amino-acid change (isoleucine 2719 retained).
Molecular consequence: synonymous variant.
Genome position (GRCh38, 1-based): chr13:32,363,359, T>C. VCF-style: chr13-32363359-T-C. GRCh37 (hg19) VCF-style: chr13-32937496-T-C.
Identifiers: ClinVar variation 184206 (VCV000184206.7), dbSNP rs730881563, ClinGen allele CA025475.

ClinVar aggregate classification (germline): Likely benign. Review status: reviewed by expert panel (3 of 4 stars). 2 submissions from 2 submitters: Likely benign (1). 1 of the submissions does not count toward it. Last evaluated 2017-06-29.

Conditions:
Hereditary cancer-predisposing syndrome. Also called: Tumor predisposition; Hereditary Cancer Syndrome; Hereditary neoplastic syndrome; Neoplastic Syndromes, Hereditary. Identifiers: Orphanet 140162, MedGen C0027672, MeSH D009386, MONDO:0015356.
Breast-ovarian cancer, familial, susceptibility to, 2 (BROVCA2). Also called: BRCA2 Hereditary Breast and Ovarian Cancer. Identifiers: Orphanet 145, MedGen C2675520, MONDO:0012933, OMIM 612555. Disease mechanism: loss of function.

Submissions (2):

Evidence-based Network for the Interpretation of Germline Mutant Alleles (ENIGMA)
Classification: Likely benign for Breast-ovarian cancer, familial, susceptibility to, 2. Last evaluated: 2017-06-29. Review status: reviewed by expert panel. Criteria: ENIGMA BRCA1/2 Classification Criteria (2017-06-29). Collection method: curation. Allele origin: germline.
Comment: Synonymous substitution variant, with low bioinformatic likelihood to result in a splicing aberration (Splicing prior probability 0.02).

Ambry Genetics
Classification: Likely benign for Hereditary cancer-predisposing syndrome. Last evaluated: 2014-09-26. Review status: criteria provided, single submitter. Criteria: Ambry Variant Classification Scheme 2023. Collection method: clinical testing. Allele origin: germline. Not counted in ClinVar's aggregate classification.